The following is an entry in ClinVar:

ClinVar aggregate classification (germline): Uncertain significance. Review status: criteria provided, multiple submitters, no conflicts (2 of 4 stars). 2 submissions from 2 submitters: Uncertain significance (2). Last evaluated 2023-12-15.

gnomAD v4.1: 2 of 1,614,210 alleles (0.00012%); highest among the groups gnomAD compares: Non-Finnish European, 0.00017%; no homozygotes.

Submissions (2):

Ambry Genetics
Classification: Uncertain significance. Last evaluated: 2023-12-15. Review status: criteria provided, single submitter. Criteria: Ambry Variant Classification Scheme 2023. Collection method: clinical testing. Allele origin: germline.
Comment: The p.S643T variant (also known as c.1927T>A), located in coding exon 13 of the RINT1 gene, results from a T to A substitution at nucleotide position 1927. The serine at codon 643 is replaced by threonine, an amino acid with similar properties. This amino acid position is conserved. In addition, this alteration is predicted to be tolerated by in silico analysis. Since supporting evidence is limited at this time, the clinical significance of this alteration remains unclear.

Labcorp Genetics (formerly Invitae), Labcorp
Classification: Uncertain significance. Last evaluated: 2023-08-27. Review status: criteria provided, single submitter. Criteria: Invitae Variant Classification Sherloc (09022015). Collection method: clinical testing. Allele origin: germline.
Comment: This variant is not present in population databases (gnomAD no frequency). This sequence change replaces serine, which is neutral and polar, with threonine, which is neutral and polar, at codon 643 of the RINT1 protein (p.Ser643Thr). This variant has not been reported in the literature in individuals affected with RINT1-related conditions. In summary, the available evidence is currently insufficient to determine the role of this variant in disease. Therefore, it has been classified as a Variant of Uncertain Significance. An algorithm developed to predict the effect of missense changes on protein structure and function (PolyPhen-2) suggests that this variant is likely to be tolerated.

NM_021930.6(RINT1):c.1927T>A (p.Ser643Thr)

Genes: EFCAB10 (EF-hand calcium binding domain 10; minus strand), RINT1 (RAD50 interactor 1; plus strand). Cytogenetic location: 7q22.3.
Variant type: single nucleotide variant.
Coding change: c.1927T>A on transcript NM_021930.6 (MANE Select); coding-DNA position 1927, T replaced by A.
Protein change: p.Ser643Thr; replaces serine 643 with threonine.
Molecular consequence: missense variant. On other transcripts: 3 prime UTR variant (3), non-coding transcript variant (1).
Genome position (GRCh38, 1-based): chr7:105,565,317, T>A. VCF-style: chr7-105565317-T-A. GRCh37 (hg19) VCF-style: chr7-105205764-T-A.
Other names: c.*130A>T (NM_001355526.2); c.*232A>T (NM_001355530.2); c.*85A>T (NM_001355531.2); c.1693T>A, p.Ser565Thr (NM_001346599.2); c.904T>A, p.Ser302Thr (NM_001346600.2, NM_001346603.2); c.1003T>A, p.Ser335Thr (NM_001346601.2); short protein forms S643T, S302T, S335T, S565T.
Identifiers: ClinVar variation 2733155 (VCV002733155.4), dbSNP rs2485182594, ClinGen allele CA368814719.